The following is an entry in ClinVar:

NM_016247.4(IMPG2):c.3169C>T (p.Gln1057Ter)

Gene: IMPG2 (interphotoreceptor matrix proteoglycan 2; minus strand). Cytogenetic location: 3q12.3.
Variant type: single nucleotide variant.
Coding change: c.3169C>T on transcript NM_016247.4 (MANE Select); coding-DNA position 3169, C replaced by T.
Protein change: p.Gln1057Ter; replaces glutamine 1057 with a stop codon.
Molecular consequence: nonsense.
Genome position (GRCh38, 1-based): chr3:101,232,845, G>A on the plus strand (C>T on the coding strand, the complement: IMPG2 is on the minus strand). VCF-style: chr3-101232845-G-A. GRCh37 (hg19) VCF-style: chr3-100951689-G-A.
Other names: short protein forms Q1057*.
Identifiers: ClinVar variation 1458492 (VCV001458492.6), dbSNP rs2107207943, ClinGen allele CA353849873.

ClinVar aggregate classification (germline): Pathogenic (1 of 4 stars; one submission).

Submission:

Labcorp Genetics (formerly Invitae), Labcorp
Classification: Pathogenic. Last evaluated: 2022-11-01. Review status: criteria provided, single submitter. Criteria: Invitae Variant Classification Sherloc (09022015). Collection method: clinical testing. Allele origin: germline.
Comment: This sequence change creates a premature translational stop signal (p.Gln1057*) in the IMPG2 gene. It is expected to result in an absent or disrupted protein product. Loss-of-function variants in IMPG2 are known to be pathogenic (PMID: 20673862). For these reasons, this variant has been classified as Pathogenic. ClinVar contains an entry for this variant (Variation ID: 1458492). This variant has not been reported in the literature in individuals affected with IMPG2-related conditions. This variant is not present in population databases (gnomAD no frequency).

Literature cited by the submitters: PubMed 20673862.